The following is an entry in ClinVar:

ClinVar aggregate classification (germline): Uncertain significance (1 of 4 stars; one submission).

Submission:

Labcorp Genetics (formerly Invitae), Labcorp
Classification: Uncertain significance. Last evaluated: 2025-03-19. Review status: criteria provided, single submitter. Criteria: Invitae Variant Classification Sherloc (09022015). Collection method: clinical testing. Allele origin: germline.
Comment: This sequence change replaces proline, which is neutral and non-polar, with serine, which is neutral and polar, at codon 1651 of the CASZ1 protein (p.Pro1651Ser). The frequency data for this variant in the population databases is considered unreliable, as metrics indicate insufficient coverage at this position in the gnomAD database. This variant has not been reported in the literature in individuals affected with CASZ1-related conditions. An algorithm developed to predict the effect of missense changes on protein structure and function (PolyPhen-2) suggests that this variant is likely to be tolerated. In summary, the available evidence is currently insufficient to determine the role of this variant in disease. Therefore, it has been classified as a Variant of Uncertain Significance.

NM_001079843.3(CASZ1):c.4951C>T (p.Pro1651Ser)

Gene: CASZ1 (castor zinc finger 1; minus strand). Cytogenetic location: 1p36.22.
Variant type: single nucleotide variant.
Coding change: c.4951C>T on transcript NM_001079843.3 (MANE Select); coding-DNA position 4951, C replaced by T.
Protein change: p.Pro1651Ser; replaces proline 1651 with serine.
Molecular consequence: missense variant.
Genome position (GRCh38, 1-based): chr1:10,639,271, G>A on the plus strand (C>T on the coding strand, the complement: CASZ1 is on the minus strand). VCF-style: chr1-10639271-G-A. GRCh37 (hg19) VCF-style: chr1-10699328-G-A.
Other names: short protein forms P1651S.
Identifiers: ClinVar variation 4772820 (VCV004772820.1).